The following is an entry in ClinVar:

NC_012920.1(MT-ATP6):m.8998G>A

Gene: MT-ATP6 (mitochondrially encoded ATP synthase 6; plus strand).
Variant type: single nucleotide variant.
Genome position: chrM-8998-G-A.
Identifiers: ClinVar variation 693048 (VCV000693048.1), dbSNP rs376792657, ClinGen allele CA337098139.

ClinVar aggregate classification (germline): Benign (1 of 4 stars; one submission).

Conditions:
Leigh syndrome (NULS). Also called: Leigh's necrotizing encephalopathy; Leigh's disease; Leigh Syndrome (mtDNA deletion); Leigh Disease; Subacute necrotizing encephalopathy; Necrotizing encephalopathy infantile subacute of Leigh. Identifiers: Orphanet 506, MedGen C2931891, MONDO:0009723, OMIM 256000.

Submission:

Wong Mito Lab, Molecular and Human Genetics, Baylor College of Medicine
Classification: Benign for Leigh syndrome. Last evaluated: 2019-10-17. Review status: criteria provided, single submitter. Criteria: Modified ACMG Guidelines (Unpublished). Collection method: clinical testing. Allele origin: germline.
Comment: The NC_012920.1:m.8998G>A (YP_003024031.1:p.Val158Met) variant in MTATP6 gene is interpretated to be a Benign variant based on the modified ACMG guidelines (unpublished). This variant meets the following evidence codes: BS1, BS2